The following is an entry in ClinVar:

NM_133259.4(LRPPRC):c.2516_2517del (p.Ser839fs)

Gene: LRPPRC (leucine rich pentatricopeptide repeat containing; minus strand). Cytogenetic location: 2p21.
Variant type: Deletion.
Coding change: c.2516_2517del on transcript NM_133259.4 (MANE Select); coding-DNA positions 2516 to 2517, 2 bases deleted (CT; older notation c.2516_2517delCT).
Protein change: p.Ser839fs; shifts the reading frame from serine 839.
Molecular consequence: frameshift variant.
Genome position (GRCh38, 1-based): chr2:43,934,866-43,934,867, AG deleted on the plus strand (CT on the coding strand, the reverse complement: LRPPRC is on the minus strand); deleting any 2 consecutive bases within chr2:43,934,866-43,934,868 gives the same sequence; the c. name uses the placement nearest the transcript's 3' end. VCF-style (leftmost placement, unchanged base first): chr2-43934865-TAG-T. GRCh37 (hg19) VCF-style: chr2-44162004-TAG-T.
Other names: short protein forms S839fs.
Identifiers: ClinVar variation 5014224 (VCV005014224.1).
Genomic context (GRCh38, chr2:43,934,865, plus strand): 5'-CATGAATCCTTGGTAATACTTTATACTTTTCATAGCAGTCAATGGCGACCTCAAGAGCAG[TAG>T]ATAGGTCGCCCCTTAGAAACAAAAAAATTAGCAATGAATAAAATAAATCGAATTCAGCTT-3'

ClinVar aggregate classification (germline): Pathogenic (1 of 4 stars; one submission).

Conditions:
Congenital lactic acidosis, Saguenay-Lac-Saint-Jean type (MC4DN5). Also called: CYTOCHROME c OXIDASE DEFICIENCY, FRENCH CANADIAN TYPE; COX DEFICIENCY, FRENCH CANADIAN TYPE; MITOCHONDRIAL COMPLEX IV DEFICIENCY, NUCLEAR TYPE 5. Identifiers: Orphanet 70472, MedGen C1857355, MONDO:0009069, OMIM 220111.

Submission:

Myriad Genetics, Inc.
Classification: Pathogenic for Congenital lactic acidosis, Saguenay-Lac-Saint-Jean type. Last evaluated: 2025-03-15. Review status: criteria provided, single submitter. Criteria: Myriad Autosomal Dominant, Autosomal Recessive and X-Linked Classification Criteria (2023). Collection method: clinical testing. Allele origin: unknown.
Comment: NM_133259.3(LRPPRC):c.2516_2517delCT(S839Yfs*4) is expected to be pathogenic in the context of Leigh syndrome, French-Canadian type. This variant is predicted to lead to an abnormal or absent protein product due to the creation of a premature termination codon in LRPPRC, a gene where loss-of-function variants are known to be pathogenic. Please note: this variant was assessed in the context of healthy population screening.